The following is an entry in ClinVar:

ClinVar aggregate classification (germline): Uncertain significance (1 of 4 stars; one submission).

Submission:

Labcorp Genetics (formerly Invitae), Labcorp
Classification: Uncertain significance. Last evaluated: 2022-04-11. Review status: criteria provided, single submitter. Criteria: Invitae Variant Classification Sherloc (09022015). Collection method: clinical testing. Allele origin: germline.
Comment: This variant is not present in population databases (gnomAD no frequency). In summary, the available evidence is currently insufficient to determine the role of this variant in disease. Therefore, it has been classified as a Variant of Uncertain Significance. Advanced modeling of protein sequence and biophysical properties (such as structural, functional, and spatial information, amino acid conservation, physicochemical variation, residue mobility, and thermodynamic stability) performed at Invitae indicates that this missense variant is not expected to disrupt COL9A1 protein function. This variant has not been reported in the literature in individuals affected with COL9A1-related conditions. This sequence change replaces arginine, which is basic and polar, with isoleucine, which is neutral and non-polar, at codon 258 of the COL9A1 protein (p.Arg258Ile).

NM_001851.6(COL9A1):c.773G>T (p.Arg258Ile)

Gene: COL9A1 (collagen type IX alpha 1 chain; minus strand). Cytogenetic location: 6q13.
Variant type: single nucleotide variant.
Coding change: c.773G>T on transcript NM_001851.6 (MANE Select); coding-DNA position 773, G replaced by T.
Protein change: p.Arg258Ile; replaces arginine 258 with isoleucine.
Molecular consequence: missense variant.
Genome position (GRCh38, 1-based): chr6:70,283,744, C>A on the plus strand (G>T on the coding strand, the complement: COL9A1 is on the minus strand). VCF-style: chr6-70283744-C-A. GRCh37 (hg19) VCF-style: chr6-70993447-C-A.
Other names: c.773G>T, p.Arg258Ile (NM_001377291.1); short protein forms R258I.
Identifiers: ClinVar variation 2125003 (VCV002125003.4), dbSNP rs2483472143, ClinGen allele CA364667144.